The following is an entry in ClinVar:

Conditions:
Arteriohepatic dysplasia. Also called: Alagille Syndrome. Identifiers: Orphanet 52, MedGen C0085280, MeSH D016738, MONDO:0007318.

Submission:

Gilbert/Spinner Lab, Children's Hospital of Philadelphia
No classification provided (evidence only). Condition: Alagille syndrome. Review status: no classification provided. Collection method: research. Allele origin: not applicable. Functional consequence: functionally_abnormal.
ClinVar note: "not provided" was previously submitted as the classification for the variant. However, the classification appeared to be based only on an observation of functional data so it was converted to no classification on 2025-07-30.

NM_000214.3(JAG1):c.997T>A (p.Cys333Ser)

Gene: JAG1 (jagged canonical Notch ligand 1; minus strand). Cytogenetic location: 20p12.2.
Variant type: single nucleotide variant.
Coding change: c.997T>A on transcript NM_000214.3 (MANE Select); coding-DNA position 997, T replaced by A.
Protein change: p.Cys333Ser; replaces cysteine 333 with serine.
Molecular consequence: missense variant.
Genome position (GRCh38, 1-based): chr20:10,652,140, A>T on the plus strand (T>A on the coding strand, the complement: JAG1 is on the minus strand). VCF-style: chr20-10652140-A-T. GRCh37 (hg19) VCF-style: chr20-10632788-A-T.
Other names: short protein forms C333S.
Identifiers: ClinVar variation 3573413 (VCV003573413.2).